The following is an entry in ClinVar:

ClinVar aggregate classification (germline): Uncertain significance (1 of 4 stars; one submission).

Allele frequency attached by ClinVar (database versions not stated): TOPMed below 0.00001; gnomAD 0.00001; gnomAD exomes 0.00002.
gnomAD v4.1: 29 of 1,593,426 alleles (0.0018%); highest among the groups gnomAD compares: Non-Finnish European, 0.0023%; no homozygotes.

Submission:

Labcorp Genetics (formerly Invitae), Labcorp
Classification: Uncertain significance. Last evaluated: 2023-07-17. Review status: criteria provided, single submitter. Criteria: Invitae Variant Classification Sherloc (09022015). Collection method: clinical testing. Allele origin: germline.
Comment: In summary, the available evidence is currently insufficient to determine the role of this variant in disease. Therefore, it has been classified as a Variant of Uncertain Significance. An algorithm developed to predict the effect of missense changes on protein structure and function (PolyPhen-2) suggests that this variant is likely to be tolerated. ClinVar contains an entry for this variant (Variation ID: 2422084). This variant has not been reported in the literature in individuals affected with ITGAM-related conditions. The frequency data for this variant in the population databases is considered unreliable, as metrics indicate poor data quality at this position in the gnomAD database. This sequence change replaces asparagine, which is neutral and polar, with serine, which is neutral and polar, at codon 747 of the ITGAM protein (p.Asn747Ser).

NM_000632.4(ITGAM):c.2240A>G (p.Asn747Ser)

Gene: ITGAM (integrin subunit alpha M; plus strand). Cytogenetic location: 16p11.2.
Variant type: single nucleotide variant.
Coding change: c.2240A>G on transcript NM_000632.4 (MANE Select); coding-DNA position 2240, A replaced by G.
Protein change: p.Asn747Ser; replaces asparagine 747 with serine.
Molecular consequence: missense variant.
Genome position (GRCh38, 1-based): chr16:31,324,733, A>G. VCF-style: chr16-31324733-A-G. GRCh37 (hg19) VCF-style: chr16-31336054-A-G.
Other names: c.2243A>G, p.Asn748Ser (NM_001145808.2); short protein forms N747S, N748S.
Identifiers: ClinVar variation 2422084 (VCV002422084.6), dbSNP rs896385550, ClinGen allele CA280617151.